The following is an entry in ClinVar:

NM_002890.3(RASA1):c.1339_1352del (p.Gln446_Glu447insTer)

Genes: CCNH (cyclin H; minus strand), RASA1 (RAS p21 protein activator 1; plus strand). Cytogenetic location: 5q14.3.
Variant type: Deletion.
Coding change: c.1339_1352del on transcript NM_002890.3 (MANE Select); coding-DNA positions 1339 to 1352, 14 bases deleted (GAACAAGTACTCAA).
Protein change: p.Gln446_Glu447insTer.
Molecular consequence: nonsense. On other transcripts: intron variant (1).
Genome position (GRCh38, 1-based): chr5:87,362,557-87,362,570, GAACAAGTACTCAA deleted; deleting any 14 consecutive bases within chr5:87,362,553-87,362,570 gives the same sequence; the c. name uses the placement nearest the transcript's 3' end. VCF-style (leftmost placement, unchanged base first): chr5-87362552-ATCAAGAACAAGTAC-A. GRCh37 (hg19) VCF-style: chr5-86658369-ATCAAGAACAAGTAC-A.
Other names: c.808_821del, p.Gln269_Glu270insTer (NM_022650.3); c.933+32478_933+32491del (NM_001364075.2).
Identifiers: ClinVar variation 2855414 (VCV002855414.3), dbSNP rs2531300001, ClinGen allele CA2739274955.

ClinVar aggregate classification (germline): Pathogenic (1 of 4 stars; one submission).

Conditions:
Capillary malformation-arteriovenous malformation syndrome. Also called: Capillary malformation-arteriovenous malformation. Identifiers: Orphanet 137667, MedGen C1842180, MONDO:0012016.

Submission:

Labcorp Genetics (formerly Invitae), Labcorp
Classification: Pathogenic for Capillary malformation-arteriovenous malformation syndrome. Last evaluated: 2023-04-12. Review status: criteria provided, single submitter. Criteria: Invitae Variant Classification Sherloc (09022015). Collection method: clinical testing. Allele origin: germline.
Comment: This variant is not present in population databases (gnomAD no frequency). This sequence change creates a premature translational stop signal (p.Glu447*) in the RASA1 gene. It is expected to result in an absent or disrupted protein product. Loss-of-function variants in RASA1 are known to be pathogenic (PMID: 24038909). This variant has not been reported in the literature in individuals affected with RASA1-related conditions. For these reasons, this variant has been classified as Pathogenic.

Literature cited by the submitters: PubMed 24038909.